The following is an entry in ClinVar:

NM_001122681.2(SH3BP2):c.892C>T (p.Arg298Trp)

Gene: SH3BP2 (SH3 domain binding protein 2; plus strand). Cytogenetic location: 4p16.3.
Variant type: single nucleotide variant.
Coding change: c.892C>T on transcript NM_001122681.2 (MANE Select); coding-DNA position 892, C replaced by T.
Protein change: p.Arg298Trp; replaces arginine 298 with tryptophan.
Molecular consequence: missense variant.
Genome position (GRCh38, 1-based): chr4:2,829,798, C>T. VCF-style: chr4-2829798-C-T. GRCh37 (hg19) VCF-style: chr4-2831525-C-T.
Other names: c.976C>T, p.Arg326Trp (NM_001145855.2); c.1063C>T, p.Arg355Trp (NM_001145856.2); c.892C>T, p.Arg298Trp (NM_003023.4); short protein forms R355W, R298W, R326W.
Identifiers: ClinVar variation 951732 (VCV000951732.9), dbSNP rs776406405, ClinGen allele CA2819350.

ClinVar aggregate classification (germline): Uncertain significance (1 of 4 stars; one submission).

Conditions:
Fibrous dysplasia of jaw (CRBM). Also called: Cherubism. Identifiers: Orphanet 184, MedGen C0008029, MONDO:0007315, OMIM 118400.

Allele frequency attached by ClinVar (database versions not stated): ExAC 0.00004; gnomAD exomes 0.00004 and 0.00002; gnomAD 0.00001; TOPMed 0.00002.
gnomAD v4.1: 38 of 1,613,130 alleles (0.0024%); highest among the groups gnomAD compares: South Asian, 0.016%; 2 homozygotes.

Submission:

Labcorp Genetics (formerly Invitae), Labcorp
Classification: Uncertain significance for Fibrous dysplasia of jaw. Last evaluated: 2023-12-09. Review status: criteria provided, single submitter. Criteria: Invitae Variant Classification Sherloc (09022015). Collection method: clinical testing. Allele origin: germline.
Comment: This sequence change replaces arginine, which is basic and polar, with tryptophan, which is neutral and slightly polar, at codon 298 of the SH3BP2 protein (p.Arg298Trp). This variant is present in population databases (rs776406405, gnomAD 0.02%), including at least one homozygous and/or hemizygous individual. This variant has not been reported in the literature in individuals affected with SH3BP2-related conditions. ClinVar contains an entry for this variant (Variation ID: 951732). Advanced modeling of protein sequence and biophysical properties (such as structural, functional, and spatial information, amino acid conservation, physicochemical variation, residue mobility, and thermodynamic stability) performed at Invitae indicates that this missense variant is not expected to disrupt SH3BP2 protein function with a negative predictive value of 80%. In summary, the available evidence is currently insufficient to determine the role of this variant in disease. Therefore, it has been classified as a Variant of Uncertain Significance.